The following is an entry in ClinVar:

ClinVar aggregate classification (germline): Pathogenic (1 of 4 stars; one submission).

Conditions:
Neurofibromatosis, type 1 (NF1). Also called: VON RECKLINGHAUSEN DISEASE; NEUROFIBROMATOSIS, TYPE I, SOMATIC; Neurofibromatosis, type I; Peripheral type neurofibromatosis. Identifiers: Orphanet 636, MedGen C0027831, MONDO:0018975, OMIM 162200. Disease mechanism: loss of function.

Submission:

Labcorp Genetics (formerly Invitae), Labcorp
Classification: Pathogenic for Neurofibromatosis, type 1. Last evaluated: 2020-11-14. Review status: criteria provided, single submitter. Criteria: Invitae Variant Classification Sherloc (09022015). Collection method: clinical testing. Allele origin: germline.
Comment: For these reasons, this variant has been classified as Pathogenic. Algorithms developed to predict the effect of sequence changes on RNA splicing suggest that this variant may disrupt the consensus splice site, but this prediction has not been confirmed by published transcriptional studies. Disruption of this splice site has been observed in individual(s) with clinical features of neurofibromatosis type 1 (PMID: 30014477, 7633431). The frequency data for this variant in the population databases is not available, as this variant may be reported as separate entries in the ExAC database. This sequence change affects a donor splice site in intron 36 of the NF1 gene. It is expected to disrupt RNA splicing. Variants that disrupt the donor or acceptor splice site typically lead to a loss of protein function (PMID: 16199547), and loss-of-function variants in NF1 are known to be pathogenic (PMID: 10712197, 23913538).

Literature cited by the submitters: PubMed 30014477; PubMed 7633431; PubMed 16199547; PubMed 10712197; PubMed 23913538.

NM_001042492.3(NF1):c.5268_5268+1delinsCA

Gene: NF1 (neurofibromin 1; plus strand). Cytogenetic location: 17q11.2.
Variant type: Indel.
Coding change: c.5268_5268+1delinsCA on transcript NM_001042492.3 (MANE Select); coding-DNA position 5268 through the canonical splice donor site of the intron after coding-DNA position 5268, AG replaced by CA.
Molecular consequence: splice donor variant.
Genome position (GRCh38, 1-based): chr17:31,326,252-31,326,253, AG replaced by CA. VCF-style: chr17-31326252-AG-CA. GRCh37 (hg19) VCF-style: chr17-29653270-AG-CA.
Other names: c.5205_5205+1delinsCA (NM_000267.4).
Identifiers: ClinVar variation 1426417 (VCV001426417.6), dbSNP rs2151539134, ClinGen allele CA2573153388.